The following is an entry in ClinVar:

ClinVar aggregate classification (germline): Uncertain significance. Review status: criteria provided, multiple submitters, no conflicts (2 of 4 stars). 2 submissions from 2 submitters: Uncertain significance (2). Last evaluated 2025-10-21.

Allele frequency attached by ClinVar (database versions not stated): gnomAD exomes 0.00025; ExAC 0.00004; gnomAD 0.00007; TOPMed 0.00008.
gnomAD v4.1: 366 of 1,613,710 alleles (0.023%); highest among the groups gnomAD compares: Non-Finnish European, 0.03%; no homozygotes.

Submissions (2):

Labcorp Genetics (formerly Invitae), Labcorp
Classification: Uncertain significance. Last evaluated: 2025-10-21. Review status: criteria provided, single submitter. Criteria: Invitae Variant Classification Sherloc (09022015). Collection method: clinical testing. Allele origin: germline.
Comment: This sequence change replaces threonine, which is neutral and polar, with serine, which is neutral and polar, at codon 138 of the NUP62 protein (p.Thr138Ser). This variant is present in population databases (rs761462475, gnomAD 0.009%). This variant has not been reported in the literature in individuals affected with NUP62-related conditions. ClinVar contains an entry for this variant (Variation ID: 2464863). An algorithm developed to predict the effect of missense changes on protein structure and function outputs the following: PolyPhen-2: "Benign". The serine amino acid residue is found in multiple mammalian species, which suggests that this missense change does not adversely affect protein function. In summary, the available evidence is currently insufficient to determine the role of this variant in disease. Therefore, it has been classified as a Variant of Uncertain Significance.

Ambry Genetics
Classification: Uncertain significance. Last evaluated: 2025-05-16. Review status: criteria provided, single submitter. Criteria: Ambry Variant Classification Scheme 2023. Collection method: clinical testing. Allele origin: germline.

NM_016553.5(NUP62):c.413C>G (p.Thr138Ser)

Genes: IL4I1 (interleukin 4 induced 1; minus strand), NUP62 (nucleoporin 62; minus strand). Cytogenetic location: 19q13.33.
Variant type: single nucleotide variant.
Coding change: c.413C>G on transcript NM_016553.5 (MANE Select); coding-DNA position 413, C replaced by G.
Protein change: p.Thr138Ser; replaces threonine 138 with serine.
Molecular consequence: missense variant. On other transcripts: intron variant (3).
Genome position (GRCh38, 1-based): chr19:49,909,395, G>C on the plus strand (C>G on the coding strand, the complement: NUP62 is on the minus strand). VCF-style: chr19-49909395-G-C. GRCh37 (hg19) VCF-style: chr19-50412652-G-C.
Other names: c.-285-5074C>G (NM_001258018.2); c.413C>G, p.Thr138Ser (NM_001193357.2, NM_012346.5, NM_153718.4 and 1 more transcripts); c.-227-5074C>G (NM_001258017.2, NM_172374.3); short protein forms T138S.
Identifiers: ClinVar variation 2464863 (VCV002464863.6), dbSNP rs761462475, ClinGen allele CA9589143.